The following is an entry in ClinVar:

NM_032447.5(FBN3):c.4000C>T (p.Pro1334Ser)

Gene: FBN3 (fibrillin 3; minus strand). Cytogenetic location: 19p13.2.
Variant type: single nucleotide variant.
Coding change: c.4000C>T on transcript NM_032447.5 (MANE Select); coding-DNA position 4000, C replaced by T.
Protein change: p.Pro1334Ser; replaces proline 1334 with serine.
Molecular consequence: missense variant.
Genome position (GRCh38, 1-based): chr19:8,111,732, G>A on the plus strand (C>T on the coding strand, the complement: FBN3 is on the minus strand). VCF-style: chr19-8111732-G-A. GRCh37 (hg19) VCF-style: chr19-8176616-G-A.
Other names: c.4000C>T, p.Pro1334Ser (NM_001321431.2); short protein forms P1334S.
Identifiers: ClinVar variation 2863782 (VCV002863782.3), dbSNP rs2512794685, ClinGen allele CA403740721.

ClinVar aggregate classification (germline): Uncertain significance (1 of 4 stars; one submission).

gnomAD v4.1: 3 of 1,612,582 alleles (0.00019%); highest among the groups gnomAD compares: Non-Finnish European, 0.000085%; no homozygotes.

Submission:

Labcorp Genetics (formerly Invitae), Labcorp
Classification: Uncertain significance. Last evaluated: 2023-09-26. Review status: criteria provided, single submitter. Criteria: Invitae Variant Classification Sherloc (09022015). Collection method: clinical testing. Allele origin: germline.
Comment: In summary, the available evidence is currently insufficient to determine the role of this variant in disease. Therefore, it has been classified as a Variant of Uncertain Significance. Advanced modeling of protein sequence and biophysical properties (such as structural, functional, and spatial information, amino acid conservation, physicochemical variation, residue mobility, and thermodynamic stability) performed at Invitae indicates that this missense variant is not expected to disrupt FBN3 protein function. This variant has not been reported in the literature in individuals affected with FBN3-related conditions. This variant is not present in population databases (gnomAD no frequency). This sequence change replaces proline, which is neutral and non-polar, with serine, which is neutral and polar, at codon 1334 of the FBN3 protein (p.Pro1334Ser).